The following is an entry in ClinVar:

ClinVar aggregate classification (germline): Pathogenic (1 of 4 stars; one submission).

Submission:

Labcorp Genetics (formerly Invitae), Labcorp
Classification: Pathogenic. Last evaluated: 2019-03-01. Review status: criteria provided, single submitter. Criteria: Invitae Variant Classification Sherloc (09022015). Collection method: clinical testing. Allele origin: germline.
Comment: This sequence change results in a premature translational stop signal in the EYS gene (p.Tyr2761*). While this is not anticipated to result in nonsense mediated decay, it is expected to disrupt the last 384 amino acids of the EYS protein. For these reasons, this variant has been classified as Pathogenic. This variant disrupts the C-terminus of the EYS protein. Another variant that disrupts this region (p.Tyr2935*) has been determined to be pathogenic (PMID: 22363543, 24652164, 28763560). This suggests that variants that disrupt this region of the protein are likely to be causative of disease. Algorithms developed to predict the effect of sequence changes on RNA splicing suggest that this variant may create or strengthen a splice site, but this prediction has not been confirmed by published transcriptional studies. This variant has not been reported in the literature in individuals with EYS-related conditions. This variant is not present in population databases (ExAC no frequency).

Literature cited by the submitters: PubMed 22363543; PubMed 24652164; PubMed 28763560.

NM_001142800.2(EYS):c.8283C>G (p.Tyr2761Ter)

Genes: EYS (EGF-like photoreceptor maintenance factor; minus strand), PHF3 (PHD finger protein 3; plus strand). Cytogenetic location: 6q12.
Variant type: single nucleotide variant.
Coding change: c.8283C>G on transcript NM_001142800.2 (MANE Select); coding-DNA position 8283, C replaced by G.
Protein change: p.Tyr2761Ter; replaces tyrosine 2761 with a stop codon.
Molecular consequence: nonsense. On other transcripts: 3 prime UTR variant (5).
Genome position (GRCh38, 1-based): chr6:63,721,748, G>C on the plus strand (C>G on the coding strand, the complement: EYS is on the minus strand). VCF-style: chr6-63721748-G-C. GRCh37 (hg19) VCF-style: chr6-64431644-G-C.
Other names: c.*8040G>C (NM_001290259.2, NM_001370348.2, NM_001370349.2 and 2 more transcripts); c.8346C>G, p.Tyr2782Ter (NM_001292009.2); short protein forms Y2761*, Y2782*.
Identifiers: ClinVar variation 843305 (VCV000843305.9), dbSNP rs1326546845, ClinGen allele CA364385280.